The following is an entry in ClinVar:

NM_203446.3(SYNJ1):c.3762C>T (p.Pro1254=)

Gene: SYNJ1 (synaptojanin 1; minus strand). Cytogenetic location: 21q22.11.
Variant type: single nucleotide variant.
Coding change: c.3762C>T on transcript NM_203446.3 (MANE Select); coding-DNA position 3762, C replaced by T.
Protein change: p.Pro1254=; no amino-acid change (proline 1254 retained).
Molecular consequence: synonymous variant.
Genome position (GRCh38, 1-based): chr21:32,639,061, G>A on the plus strand (C>T on the coding strand, the complement: SYNJ1 is on the minus strand). VCF-style: chr21-32639061-G-A. GRCh37 (hg19) VCF-style: chr21-34011371-G-A.
Other names: c.3714C>T, p.Pro1238= (NM_001160302.2); c.3621C>T, p.Pro1207= (NM_001160306.2); c.3879C>T, p.Pro1293= (NM_003895.4).
Identifiers: ClinVar variation 478351 (VCV000478351.35), dbSNP rs201117151, ClinGen allele CA10003258.

ClinVar aggregate classification (germline): Likely benign. Review status: criteria provided, multiple submitters, no conflicts (2 of 4 stars). 4 submissions from 4 submitters: Likely benign (3). 1 of the submissions does not count toward it. Last evaluated 2025-06-14.

Conditions:
SYNJ1-related disorder. Also called: SYNJ1-related condition.
Developmental and epileptic encephalopathy, 53. Also called: Epileptic encephalopathy, early infantile, 53. Identifiers: MedGen C4479313, MONDO:0033362, OMIM 617389.
Early-onset Parkinson disease 20. Also called: PARKINSON DISEASE 20, AUTOSOMAL RECESSIVE EARLY-ONSET. Identifiers: Orphanet 391411, MedGen C3809824, MONDO:0014233, OMIM 615530.

Allele frequency attached by ClinVar (database versions not stated): TOPMed 0.00005; ExAC 0.00007; gnomAD exomes 0.00008 and 0.00013; gnomAD 0.00009.
gnomAD v4.1: 209 of 1,613,948 alleles (0.013%); highest among the groups gnomAD compares: Non-Finnish European, 0.017%; no homozygotes.

Submissions (4):

Labcorp Genetics (formerly Invitae), Labcorp
Classification: Likely benign for Developmental and epileptic encephalopathy, 53; Early-onset Parkinson disease 20. Last evaluated: 2025-06-14. Review status: criteria provided, single submitter. Criteria: Invitae Variant Classification Sherloc (09022015). Collection method: clinical testing. Allele origin: germline.

CeGaT Center for Human Genetics Tuebingen
Classification: Likely benign. Last evaluated: 2024-01-01. Review status: criteria provided, single submitter. Criteria: CeGaT Center For Human Genetics Tuebingen Variant Classification Criteria Version 2. Collection method: clinical testing. Allele origin: germline. Affected: yes. Observed: 1 variant allele.
Comment: SYNJ1: BP4, BP7

Blueprint Genetics
Classification: Likely benign. Last evaluated: 2022-10-28. Review status: criteria provided, single submitter. Criteria: ACMG Guidelines, 2015. Collection method: clinical testing. Allele origin: germline.

PreventionGenetics, part of Exact Sciences
Classification: Likely benign for SYNJ1-related condition. Last evaluated: 2019-04-12. Review status: no assertion criteria provided. Collection method: clinical testing. Allele origin: germline. Not counted in ClinVar's aggregate classification.
Comment: This variant is classified as likely benign based on ACMG/AMP sequence variant interpretation guidelines (Richards et al. 2015 PMID: 25741868, with internal and published modifications).